The following is an entry in ClinVar:

ClinVar aggregate classification (germline): Uncertain significance (1 of 4 stars; one submission).

Submission:

GeneDx
Classification: Uncertain significance. Last evaluated: 2025-09-04. Review status: criteria provided, single submitter. Criteria: GeneDx Variant Classification Process June 2021. Collection method: clinical testing. Allele origin: germline. Affected: yes.
Comment: Not observed at significant frequency in large population cohorts (gnomAD); In silico analysis suggests that this variant does not alter splicing; Has not been previously published as pathogenic or benign to our knowledge

NM_001385012.1(NBEA):c.1240-4dup

Gene: NBEA (neurobeachin; plus strand). Cytogenetic location: 13q13.3.
Variant type: Duplication.
Coding change: c.1240-4dup on transcript NM_001385012.1 (MANE Select); 4 bases into the intron before coding-DNA position 1240, one base duplicated (T; older notation c.1240-4dupT).
Molecular consequence: intron variant.
Genome position (GRCh38, 1-based): chr13:35,069,904, T duplicated; the last of 6 consecutive T bases (chr13:35,069,899-35,069,904); duplicating any one gives the same sequence. VCF-style (leftmost placement, unchanged base first): chr13-35069898-A-AT. GRCh37 (hg19) VCF-style: chr13-35644035-A-AT.
Other names: c.1240-4dup (NM_015678.5, NM_001379245.1).
Identifiers: ClinVar variation 4813244 (VCV004813244.1).